The following is an entry in ClinVar:

ClinVar aggregate classification (somatic clinical impact): Tier I - Strong. Review status: criteria provided, single submitter (1 of 4 stars). 3 submissions from 1 submitter. Last evaluated 2024-10-02.

Conditions:
Adamantinous craniopharyngioma. Identifiers: MedGen C0431129, MONDO:0002787.
Adrenal cortex carcinoma. Also called: Adrenocortical carcinoma. Identifiers: Orphanet 1501, MedGen C0206686, MeSH D018268, MONDO:0006639, HP:0006744.
Medulloblastoma WNT activated. Identifiers: MedGen C4331965, MONDO:0850196.

Submissions (3):

Institute for Genomic Medicine (IGM) Clinical Laboratory, Nationwide Children's Hospital
Classification: Tier I - Strong for Adamantinous craniopharyngioma. Assertion type: diagnostic. Clinical significance: supports diagnosis. Last evaluated: 2024-10-02. Review status: criteria provided, single submitter. Criteria: AMP/ASCO/CAP Guidelines, 2017. Collection method: clinical testing. Allele origin: somatic. Affected: yes.
Comment: Variant has Tier I (strong) clinical significance as a diagnostic inclusion criterion in adamantinous craniopharyngioma, based on the following evidence: 1) Documented in one or more cancer databases (e.g., St. Jude Pecan, COSMIC, CIViC, OncoKB). 2) Appears in one or more well-established professional guidelines (e.g., World Health Organization [WHO]; National Comprehensive Cancer Network [NCCN]) as providing diagnostic, prognostic, or therapeutic information. 3) Information in the literature supports potential biologic effect of variant (PMIDs: 29435196, 15064718, 22298898). 4) Diagnostic for a specific tumor type/classification according to professional guidelines (Evidence Level A; PMIDs: 12466115, 24413733, 28069929).

Institute for Genomic Medicine (IGM) Clinical Laboratory, Nationwide Children's Hospital
Classification: Tier I - Strong for Adrenal cortex carcinoma. Assertion type: diagnostic. Clinical significance: supports diagnosis. Last evaluated: 2023-12-29. Review status: criteria provided, single submitter. Criteria: AMP/ASCO/CAP Guidelines, 2017. Collection method: clinical testing. Allele origin: somatic. Affected: yes.
Comment: Variant has Tier I (strong) clinical significance as a diagnostic inclusion criterion in adrenal cortex carcinoma, based on the following evidence: 1) Documented in one or more cancer databases (e.g., St. Jude Pecan, COSMIC, CIViC, OncoKB). 2) Appears in one or more well-established professional guidelines (e.g., World Health Organization [WHO]; National Comprehensive Cancer Network [NCCN]) as providing diagnostic, prognostic, or therapeutic information (PMIDs: 16140927, 2574372, 27165744, 25490274, 24747642). 3) Information in the literature supports potential biologic effect of variant (PMIDs: 29435196, 15064718). 4) Diagnostic for a specific tumor type/classification based on well-powered studies with expert-level consensus (Evidence Level B; PMIDs: 16140927, 2574372, 27165744, 25490274, 24747642).

Institute for Genomic Medicine (IGM) Clinical Laboratory, Nationwide Children's Hospital
Classification: Tier I - Strong for Medulloblastoma WNT activated. Assertion type: diagnostic. Clinical significance: supports diagnosis. Last evaluated: 2023-04-11. Review status: criteria provided, single submitter. Criteria: AMP/ASCO/CAP Guidelines, 2017. Collection method: clinical testing. Allele origin: somatic. Affected: yes.
Comment: Variant has Tier I (strong) clinical significance as a diagnostic inclusion criterion in medulloblastoma WNT activated, based on the following evidence: 1) Documented in one or more cancer databases (e.g., St. Jude Pecan, COSMIC, CIViC, OncoKB). 2) Appears in one or more well-established professional guidelines (e.g., World Health Organization [WHO]; National Comprehensive Cancer Network [NCCN]) as providing diagnostic, prognostic, or therapeutic information. 3) Information in the literature supports potential biologic effect of variant (PMIDs: 29435196, 15064718). 4) Diagnostic for a specific tumor type/classification according to professional guidelines (Evidence Level A; PMIDs: 22832581, 28726821, 21163964, 22832583).

Literature cited by the submitters: PubMed 29435196; PubMed 15064718; PubMed 22298898; PubMed 12466115; PubMed 24413733; PubMed 28069929; PubMed 16140927; PubMed 2574372; PubMed 27165744; PubMed 25490274; PubMed 24747642; PubMed 22832581; PubMed 28726821; PubMed 21163964; PubMed 22832583.

NM_001904.4(CTNNB1):c.94G>C (p.Asp32His)

Genes: CTNNB1 (catenin beta 1; plus strand), LOC126806658 (BRD4-independent group 4 enhancer GRCh37_chr3:41265899-41267098; plus strand). Cytogenetic location: 3p22.1.
Variant type: single nucleotide variant.
Coding change: c.94G>C on transcript NM_001904.4 (MANE Select); coding-DNA position 94, G replaced by C.
Protein change: p.Asp32His; replaces aspartic acid 32 with histidine.
Molecular consequence: missense variant.
Genome position (GRCh38, 1-based): chr3:41,224,606, G>C. VCF-style: chr3-41224606-G-C. GRCh37 (hg19) VCF-style: chr3-41266097-G-C.
Other names: c.94G>C, p.Asp32His (NM_001098209.2, NM_001098210.2); c.73G>C, p.Asp25His (NM_001330729.2); short protein forms D32H, D25H.
Identifiers: ClinVar variation 4530132 (VCV004530132.1), dbSNP rs28931588.